The following is an entry in ClinVar:

ClinVar aggregate classification (germline): Pathogenic (1 of 4 stars; one submission).

Submission:

Labcorp Genetics (formerly Invitae), Labcorp
Classification: Pathogenic. Last evaluated: 2025-03-15. Review status: criteria provided, single submitter. Criteria: Invitae Variant Classification Sherloc (09022015). Collection method: clinical testing. Allele origin: germline.
Comment: This sequence change creates a premature translational stop signal (p.Arg52Glyfs*9) in the RP1 gene. It is expected to result in an absent or disrupted protein product. Loss-of-function variants in RP1 are known to be pathogenic (PMID: 11960024, 19933189). This variant is not present in population databases (gnomAD no frequency). This variant has not been reported in the literature in individuals affected with RP1-related conditions. For these reasons, this variant has been classified as Pathogenic.

Literature cited by the submitters: PubMed 11960024; PubMed 19933189.

NM_006269.2(RP1):c.154_155del (p.Arg52fs)

Gene: RP1 (RP1 axonemal microtubule associated; plus strand). Cytogenetic location: 8q12.1.
Variant type: Deletion.
Coding change: c.154_155del on transcript NM_006269.2 (MANE Select); coding-DNA positions 154 to 155, 2 bases deleted (AG; older notation c.154_155delAG).
Protein change: p.Arg52fs; shifts the reading frame from arginine 52.
Molecular consequence: frameshift variant.
Genome position (GRCh38, 1-based): chr8:54,621,120-54,621,121, AG deleted. VCF-style (leftmost placement, unchanged base first): chr8-54621119-CAG-C. GRCh37 (hg19) VCF-style: chr8-55533679-CAG-C.
Other names: c.154_155del, p.Arg52fs (NM_001375654.1); short protein forms R52fs.
Identifiers: ClinVar variation 4714638 (VCV004714638.1).